The following is an entry in ClinVar:

NM_017534.6(MYH2):c.3136C>G (p.Gln1046Glu)

Genes: MYHAS (myosin heavy chain gene cluster antisense RNA; plus strand), MYH2 (myosin heavy chain 2; minus strand). Cytogenetic location: 17p13.1.
Variant type: single nucleotide variant.
Coding change: c.3136C>G on transcript NM_017534.6 (MANE Select); coding-DNA position 3136, C replaced by G.
Protein change: p.Gln1046Glu; replaces glutamine 1046 with glutamic acid.
Molecular consequence: missense variant.
Genome position (GRCh38, 1-based): chr17:10,529,463, G>C on the plus strand (C>G on the coding strand, the complement: MYH2 is on the minus strand). VCF-style: chr17-10529463-G-C. GRCh37 (hg19) VCF-style: chr17-10432780-G-C.
Other names: c.3136C>G, p.Gln1046Glu (NM_001100112.2); short protein forms Q1046E.
Identifiers: ClinVar variation 3021088 (VCV003021088.3), dbSNP rs534927767, ClinGen allele CA8390994.

ClinVar aggregate classification (germline): Uncertain significance (1 of 4 stars; one submission).

Conditions:
Myopathy, proximal, and ophthalmoplegia (CMYO6). Also called: CONGENITAL MYOPATHY 6 WITH OPHTHALMOPLEGIA; MYOPATHY WITH CONGENITAL JOINT CONTRACTURES, OPHTHALMOPLEGIA, AND RIMMED VACUOLES; INCLUSION BODY MYOPATHY 3, AUTOSOMAL DOMINANT. Identifiers: Orphanet 363677, Orphanet 79091, MedGen C1854106, MONDO:0011577, OMIM 605637.

Allele frequency attached by ClinVar (database versions not stated): gnomAD exomes below 0.00001.
gnomAD v4.1: 8 of 1,614,036 alleles (0.0005%); highest among the groups gnomAD compares: South Asian, 0.0077%; no homozygotes.

Submission:

Labcorp Genetics (formerly Invitae), Labcorp
Classification: Uncertain significance for Myopathy, proximal, and ophthalmoplegia. Last evaluated: 2023-10-04. Review status: criteria provided, single submitter. Criteria: Invitae Variant Classification Sherloc (09022015). Collection method: clinical testing. Allele origin: germline.
Comment: This sequence change replaces glutamine, which is neutral and polar, with glutamic acid, which is acidic and polar, at codon 1046 of the MYH2 protein (p.Gln1046Glu). This variant is present in population databases (rs534927767, gnomAD 0.01%). This variant has not been reported in the literature in individuals affected with MYH2-related conditions. Advanced modeling of protein sequence and biophysical properties (such as structural, functional, and spatial information, amino acid conservation, physicochemical variation, residue mobility, and thermodynamic stability) performed at Invitae indicates that this missense variant is not expected to disrupt MYH2 protein function. In summary, the available evidence is currently insufficient to determine the role of this variant in disease. Therefore, it has been classified as a Variant of Uncertain Significance.